The following is an entry in ClinVar:

ClinVar aggregate classification (germline): Uncertain significance (1 of 4 stars; one submission).

Submission:

Labcorp Genetics (formerly Invitae), Labcorp
Classification: Uncertain significance. Last evaluated: 2025-03-31. Review status: criteria provided, single submitter. Criteria: Invitae Variant Classification Sherloc (09022015). Collection method: clinical testing. Allele origin: germline.
Comment: This sequence change replaces leucine, which is neutral and non-polar, with valine, which is neutral and non-polar, at codon 312 of the SRP72 protein (p.Leu312Val). This variant is not present in population databases (gnomAD no frequency). This variant has not been reported in the literature in individuals affected with SRP72-related conditions. Invitae Evidence Modeling of protein sequence and biophysical properties (such as structural, functional, and spatial information, amino acid conservation, physicochemical variation, residue mobility, and thermodynamic stability) indicates that this missense variant is not expected to disrupt SRP72 protein function with a negative predictive value of 80%. In summary, the available evidence is currently insufficient to determine the role of this variant in disease. Therefore, it has been classified as a Variant of Uncertain Significance.

NM_006947.4(SRP72):c.934T>G (p.Leu312Val)

Gene: SRP72 (signal recognition particle 72; plus strand). Cytogenetic location: 4q12.
Variant type: single nucleotide variant.
Coding change: c.934T>G on transcript NM_006947.4 (MANE Select); coding-DNA position 934, T replaced by G.
Protein change: p.Leu312Val; replaces leucine 312 with valine.
Molecular consequence: missense variant. On other transcripts: non-coding transcript variant (1).
Genome position (GRCh38, 1-based): chr4:56,483,247, T>G. VCF-style: chr4-56483247-T-G. GRCh37 (hg19) VCF-style: chr4-57349413-T-G.
Other names: c.751T>G, p.Leu251Val (NM_001267722.2); short protein forms L251V, L312V.
Identifiers: ClinVar variation 4744559 (VCV004744559.1).
Genomic context (GRCh38, chr4:56,483,247, plus strand): 5'-GAAGGAGTAGAGTTTAAGCTTTCCAAGAAACAACTACAAGCTATAGAATTTAACAAAGCT[T>G]TACTTGCTATGTACACAAACCAGGTGGGTAATTACCTTTGGTGTCATGGCTAAACCTTTT-3'
Protein context (NP_008878.3, residues 302-322): QLQAIEFNKA[Leu312Val]LAMYTNQAEQ